The following is an entry in ClinVar:

NM_017780.4(CHD7):c.4645-1G>C

Gene: CHD7 (chromodomain helicase DNA binding protein 7; plus strand). Cytogenetic location: 8q12.2.
Variant type: single nucleotide variant.
Coding change: c.4645-1G>C on transcript NM_017780.4 (MANE Select); the canonical splice acceptor site of the intron before coding-DNA position 4645, G replaced by C.
Molecular consequence: splice acceptor variant. On other transcripts: intron variant (1).
Genome position (GRCh38, 1-based): chr8:60,841,846, G>C. VCF-style: chr8-60841846-G-C. GRCh37 (hg19) VCF-style: chr8-61754405-G-C.
Other names: c.1717-20383G>C (NM_001316690.1).
Identifiers: ClinVar variation 1742140 (VCV001742140.2), dbSNP rs2487945576, ClinGen allele CA371318885.

ClinVar aggregate classification (germline): Likely pathogenic (1 of 4 stars; one submission).

Conditions:
Inborn genetic diseases. Identifiers: MedGen C0950123, MeSH D030342.

Submission:

Ambry Genetics
Classification: Likely pathogenic for Inborn genetic diseases. Last evaluated: 2016-07-16. Review status: criteria provided, single submitter. Criteria: Ambry Variant Classification Scheme 2023. Collection method: clinical testing. Allele origin: germline.
Comment: The c.4645-1G>C intronic variant results from a G to C substitution one nucleotide upstream from coding exon 20 of the CHD7 gene. This variant was not reported in population based cohorts in the following databases: Database of Single Nucleotide Polymorphisms (dbSNP), NHLBI Exome Sequencing Project (ESP), and 1000 Genomes Project. In the ESP, this variant was not observed in 5964 samples (11928 alleles) with coverage at this position. This nucleotide position is highly conserved in available vertebrate species. Using the BDGP and ESEfinder splice site prediction tools, this alteration is predicted to abolish the native splice acceptor site; however, direct evidence is unavailable. Alterations that disrupt the canonical splice site are expected to cause aberrant splicing, resulting in an abnormal protein or a transcript that is subject to nonsense-mediated mRNA decay. As such, this alteration is classified as likely pathogenic.